The following is an entry in ClinVar:

ClinVar aggregate classification (germline): Conflicting classifications of pathogenicity. Review status: criteria provided, conflicting classifications (1 of 4 stars). 4 submissions from 4 submitters: Uncertain significance (3); Likely benign (1). Last evaluated 2025-11-22.

Conditions:
Bethlem myopathy 1A. Also called: Bethlem myopathy 1; MYOPATHY, BENIGN CONGENITAL, WITH CONTRACTURES; Bethlem Muscular Dystrophy. Identifiers: Orphanet 610, MedGen CN029274, MONDO:0024530, OMIM 158810.

Allele frequency attached by ClinVar (database versions not stated): ExAC 0.00025; 1000 Genomes Project 30x 0.00016; gnomAD 0.00019 and 0.00016; gnomAD exomes 0.00021 and 0.00023; TOPMed 0.00012; 1000 Genomes Project 0.00020.
gnomAD v4.1: 351 of 1,607,566 alleles (0.022%); highest among the groups gnomAD compares: East Asian, 0.32%; 2 homozygotes.

Submissions (4):

Labcorp Genetics (formerly Invitae), Labcorp
Classification: Likely benign for Bethlem myopathy 1A. Last evaluated: 2025-11-22. Review status: criteria provided, single submitter. Criteria: Invitae Variant Classification Sherloc (09022015). Collection method: clinical testing. Allele origin: germline.

Mayo Clinic Laboratories, Mayo Clinic
Classification: Uncertain significance. Last evaluated: 2025-10-22. Review status: criteria provided, single submitter. Criteria: ACMG Guidelines, 2015. Collection method: clinical testing. Allele origin: germline. Observed: 1 variant allele.
Comment: BS1

Revvity Omics, Revvity
Classification: Uncertain significance. Last evaluated: 2025-05-09. Review status: criteria provided, single submitter. Criteria: ACMG Guidelines, 2015. Collection method: clinical testing. Allele origin: germline.

Eurofins Ntd Llc (ga)
Classification: Uncertain significance. Last evaluated: 2018-06-12. Review status: criteria provided, single submitter. Criteria: EGL ClinVar v180209 classification definitions. Collection method: clinical testing. Allele origin: germline. Observed: 3 variant alleles, 3 heterozygotes.

Literature cited by the submitters: PubMed 34167565 (cited by Mayo Clinic Laboratories, Mayo Clinic); PubMed 35999587 (cited by Mayo Clinic Laboratories, Mayo Clinic).

NM_001849.4(COL6A2):c.2927T>C (p.Leu976Ser)

Gene: COL6A2 (collagen type VI alpha 2 chain; plus strand). Cytogenetic location: 21q22.3.
Variant type: single nucleotide variant.
Coding change: c.2927T>C on transcript NM_001849.4 (MANE Select); coding-DNA position 2927, T replaced by C.
Protein change: p.Leu976Ser; replaces leucine 976 with serine.
Molecular consequence: missense variant.
Genome position (GRCh38, 1-based): chr21:46,132,419, T>C. VCF-style: chr21-46132419-T-C. GRCh37 (hg19) VCF-style: chr21-47552333-T-C.
Other names: p.Leu976Ser; short protein forms L976S.
Identifiers: ClinVar variation 476480 (VCV000476480.21), dbSNP rs200200671, ClinGen allele CA10073100.